The following is an entry in ClinVar:

NM_000057.4(BLM):c.2434A>G (p.Lys812Glu)

Gene: BLM (BLM RecQ like helicase; plus strand). Cytogenetic location: 15q26.1.
Variant type: single nucleotide variant.
Coding change: c.2434A>G on transcript NM_000057.4 (MANE Select); coding-DNA position 2434, A replaced by G.
Protein change: p.Lys812Glu; replaces lysine 812 with glutamic acid.
Molecular consequence: missense variant.
Genome position (GRCh38, 1-based): chr15:90,769,465, A>G. VCF-style: chr15-90769465-A-G. GRCh37 (hg19) VCF-style: chr15-91312695-A-G.
Other names: c.2434A>G, p.Lys812Glu (NM_001287246.2, NM_001287247.2); c.1309A>G, p.Lys437Glu (NM_001287248.2); short protein forms K812E, K437E.
Identifiers: ClinVar variation 821269 (VCV000821269.19), dbSNP rs763827222, ClinGen allele CA393845310.
Genomic context (GRCh38, chr15:90,769,465, plus strand): 5'-AGTCTGAAAAGCAGTATTTTTTTTTCCAACTAGTGGGGACATGATTTTCGTCAAGATTAC[A>G]AAAGAATGAATATGCTTCGCCAGAAGTTTCCTTCTGTTCCGGTGATGGCTCTTACGGCCA-3'
Protein context (NP_000048.1, residues 802-822): QWGHDFRQDY[Lys812Glu]RMNMLRQKFP

ClinVar aggregate classification (germline): Uncertain significance. Review status: criteria provided, multiple submitters, no conflicts (2 of 4 stars). 3 submissions from 3 submitters: Uncertain significance (2). 1 of the submissions does not count toward it. Last evaluated 2025-11-09.

Conditions:
Hereditary cancer-predisposing syndrome. Also called: Neoplastic Syndromes, Hereditary; Tumor predisposition; Hereditary Cancer Syndrome; Hereditary neoplastic syndrome. Identifiers: Orphanet 140162, MedGen C0027672, MeSH D009386, MONDO:0015356.
Bloom syndrome (BLM). Also called: Bloom-Torre-Machacek syndrome. Identifiers: Orphanet 125, MedGen C0005859, MONDO:0008876, OMIM 210900.

gnomAD v4.1: 1 of 1,614,196 alleles (0.000062%); highest among the groups gnomAD compares: Non-Finnish European, 0.000085%; no homozygotes.

Submissions (3):

Ambry Genetics
Classification: Uncertain significance for Hereditary cancer-predisposing syndrome. Last evaluated: 2025-11-09. Review status: criteria provided, single submitter. Criteria: Ambry Variant Classification Scheme 2023. Collection method: clinical testing. Allele origin: germline.
Comment: The p.K812E variant (also known as c.2434A>G), located in coding exon 11 of the BLM gene, results from an A to G substitution at nucleotide position 2434. The lysine at codon 812 is replaced by glutamic acid, an amino acid with similar properties. This amino acid position is highly conserved in available vertebrate species. In addition, the in silico prediction for this alteration is inconclusive. Since supporting evidence is limited at this time, the clinical significance of this alteration remains unclear.

Labcorp Genetics (formerly Invitae), Labcorp
Classification: Uncertain significance for Bloom syndrome. Last evaluated: 2024-08-20. Review status: criteria provided, single submitter. Criteria: Invitae Variant Classification Sherloc (09022015). Collection method: clinical testing. Allele origin: germline.
Comment: This sequence change replaces lysine, which is basic and polar, with glutamic acid, which is acidic and polar, at codon 812 of the BLM protein (p.Lys812Glu). This variant is not present in population databases (gnomAD no frequency). This variant has not been reported in the literature in individuals affected with BLM-related conditions. ClinVar contains an entry for this variant (Variation ID: 821269). Invitae Evidence Modeling of protein sequence and biophysical properties (such as structural, functional, and spatial information, amino acid conservation, physicochemical variation, residue mobility, and thermodynamic stability) indicates that this missense variant is expected to disrupt BLM protein function with a positive predictive value of 80%. In summary, the available evidence is currently insufficient to determine the role of this variant in disease. Therefore, it has been classified as a Variant of Uncertain Significance.

Natera, Inc.
Classification: Uncertain significance for Bloom syndrome. Last evaluated: 2021-08-04. Review status: no assertion criteria provided. Collection method: clinical testing. Allele origin: germline. Not counted in ClinVar's aggregate classification.